The following is an entry in ClinVar:

NM_014391.3(ANKRD1):c.328C>T (p.Pro110Ser)

Gene: ANKRD1 (ankyrin repeat domain 1; minus strand). Cytogenetic location: 10q23.31.
Variant type: single nucleotide variant.
Coding change: c.328C>T on transcript NM_014391.3 (MANE Select); coding-DNA position 328, C replaced by T.
Protein change: p.Pro110Ser; replaces proline 110 with serine.
Molecular consequence: missense variant.
Genome position (GRCh38, 1-based): chr10:90,919,148, G>A on the plus strand (C>T on the coding strand, the complement: ANKRD1 is on the minus strand). VCF-style: chr10-90919148-G-A. GRCh37 (hg19) VCF-style: chr10-92678905-G-A.
Other names: short protein forms P110S.
Identifiers: ClinVar variation 191603 (VCV000191603.10), dbSNP rs200061926, ClinGen allele CA237034.

ClinVar aggregate classification (germline): Uncertain significance. Review status: criteria provided, multiple submitters, no conflicts (2 of 4 stars). 5 submissions from 5 submitters: Uncertain significance (5). Last evaluated 2025-10-05.

Conditions:
ANKRD1-related disorder. Also called: ANKRD1-related condition.
Cardiovascular phenotype. Identifiers: MedGen CN230736.
ANKRD1-related dilated cardiomyopathy. Identifiers: MedGen CN119551.

Allele frequency attached by ClinVar (database versions not stated): gnomAD exomes 0.00001; TOPMed 0.00002; gnomAD 0.00003.

Submissions (5):

Ambry Genetics
Classification: Uncertain significance for Cardiovascular phenotype. Last evaluated: 2025-10-05. Review status: criteria provided, single submitter. Criteria: Ambry Variant Classification Scheme 2023. Collection method: clinical testing. Allele origin: germline.
Comment: The p.P110S variant (also known as c.328C>T), located in coding exon 3 of the ANKRD1 gene, results from a C to T substitution at nucleotide position 328. The proline at codon 110 is replaced by serine, an amino acid with similar properties. This amino acid position is not well conserved in available vertebrate species. In addition, this alteration is predicted to be tolerated by in silico analysis. Since supporting evidence is limited at this time, the clinical significance of this alteration remains unclear.

PreventionGenetics, part of Exact Sciences
Classification: Uncertain significance for ANKRD1-related condition. Last evaluated: 2025-05-01. Review status: criteria provided, single submitter. Criteria: ACMG Guidelines, 2015. Collection method: clinical testing. Allele origin: germline.
Comment: The ANKRD1 c.328C>T variant is predicted to result in the amino acid substitution p.Pro110Ser. To our knowledge, this variant has not been reported in individuals with ANKRD1-associated disease. This variant is reported in 0.0031% of alleles in individuals of European (Non-Finnish) descent in gnomAD. At this time, the clinical significance of this variant is uncertain due to the absence of conclusive functional and genetic evidence.

Labcorp Genetics (formerly Invitae), Labcorp
Classification: Uncertain significance for ANKRD1-related dilated cardiomyopathy. Last evaluated: 2021-09-01. Review status: criteria provided, single submitter. Criteria: Invitae Variant Classification Sherloc (09022015). Collection method: clinical testing. Allele origin: germline.
Comment: This sequence change replaces proline with serine at codon 110 of the ANKRD1 protein (p.Pro110Ser). The proline residue is highly conserved and there is a moderate physicochemical difference between proline and serine. This variant is not present in population databases (ExAC no frequency). This variant has not been reported in the literature in individuals affected with ANKRD1-related conditions. ClinVar contains an entry for this variant (Variation ID: 191603). Algorithms developed to predict the effect of missense changes on protein structure and function output the following: SIFT: "Deleterious"; PolyPhen-2: "Benign"; Align-GVGD: "Class C0". The serine amino acid residue is found in multiple mammalian species, which suggests that this missense change does not adversely affect protein function. In summary, the available evidence is currently insufficient to determine the role of this variant in disease. Therefore, it has been classified as a Variant of Uncertain Significance.

GeneDx
Classification: Uncertain significance. Last evaluated: 2016-05-18. Review status: criteria provided, single submitter. Criteria: GeneDx Variant Classification (06012015). Collection method: clinical testing. Allele origin: germline. Affected: yes.
Comment: A variant of uncertain significance has been identified in the ANKRD1 gene. The P110S variant has not been published as a pathogenic variant, nor has it been reported as a benign variant to our knowledge. However, P110S was reported as a variant of uncertain significance in one individual from a data set not selected for arrhythmia, cardiomyopathy or family history of sudden death (Ng et al., 2013). The P110S variant was not observed in approximately 6,500 individuals of European and African American ancestry in the NHLBI Exome Sequencing Project, indicating it is not a common benign variant in these populations. Furthermore, P110S is a non-conservative amino acid substitution, which is likely to impact secondary protein structure as these residues differ in polarity, charge, size and/or other properties. Nonetheless, this substitution occurs at a position that is not conserved across species, and Serine is the wild type amino acid in multiple species. Consequently, in silico analysis is inconsistent in its predictions as to whether or not the variant is damaging to the protein structure/function.Therefore, based on the currently available information, it is unclear whether this variant is pathogenic or rare benign.

Biesecker Lab/Clinical Genomics Section, National Institutes of Health
Classification: Uncertain significance. Last evaluated: 2013-06-24. Review status: criteria provided, single submitter. Criteria: Ng et al. (Circ Cardiovasc Genet. 2013). Collection method: research. Allele origin: unknown. Observed: 1 variant allele. Study: ClinSeq.
Comment: The study set was not selected for affection status in relation to any cancer. Pathogenicity categories were based on literature curation. See Pubmed ID:23861362 for details.

Medical sequencing